The following is an entry in ClinVar:

NM_001101.5(ACTB):c.208C>G (p.Pro70Ala)

Gene: ACTB (actin beta; minus strand). Cytogenetic location: 7p22.1.
Variant type: single nucleotide variant.
Coding change: c.208C>G on transcript NM_001101.5 (MANE Select); coding-DNA position 208, C replaced by G.
Protein change: p.Pro70Ala; replaces proline 70 with alanine.
Molecular consequence: missense variant.
Genome position (GRCh38, 1-based): chr7:5,529,316, G>C on the plus strand (C>G on the coding strand, the complement: ACTB is on the minus strand). VCF-style: chr7-5529316-G-C. GRCh37 (hg19) VCF-style: chr7-5568947-G-C.
Other names: short protein forms P70A.
Identifiers: ClinVar variation 5037697 (VCV005037697.1).

ClinVar aggregate classification (germline): Pathogenic (1 of 4 stars; one submission).

Submission:

GeneDx
Classification: Pathogenic. Last evaluated: 2026-04-16. Review status: criteria provided, single submitter. Criteria: GeneDx Variant Classification Process June 2021. Collection method: clinical testing. Allele origin: germline.
Comment: Not observed at significant frequency in large population cohorts (gnomAD); Missense variants in this gene are a common cause of disease and they are underrepresented in the general population; In silico analysis supports that this missense variant has a deleterious effect on protein structure/function; This variant is associated with the following publications: (PMID: 30733661)